The following is an entry in ClinVar:

NM_003442.6(ZNF143):c.1382G>A (p.Gly461Asp)

Gene: ZNF143 (zinc finger protein 143; plus strand). Cytogenetic location: 11p15.4.
Variant type: single nucleotide variant.
Coding change: c.1382G>A on transcript NM_003442.6 (MANE Select); coding-DNA position 1382, G replaced by A.
Protein change: p.Gly461Asp; replaces glycine 461 with aspartic acid.
Molecular consequence: missense variant.
Genome position (GRCh38, 1-based): chr11:9,512,454, G>A. VCF-style: chr11-9512454-G-A. GRCh37 (hg19) VCF-style: chr11-9534001-G-A.
Other names: p.Gly461Asp; c.1379G>A, p.Gly460Asp (NM_001282656.2); c.1289G>A, p.Gly430Asp (NM_001282657.2); short protein forms G430D, G460D, G461D.
Identifiers: ClinVar variation 768425 (VCV000768425.15), dbSNP rs34972213, ClinGen allele CA5879611.
Genomic context (GRCh38, chr11:9,512,454, plus strand): 5'-TTTCTAAACAAATTGGTTGGTTGGTCAAATAAATGATTCATTTGTTTTAAACAGGTCAAG[G>A]TGAAGATGTTCTTAAAGGGTCCCAGATTACGTATGTTACAGGTGTAGAAGGGGACGACGT-3'
Protein context (NP_003433.3, residues 451-471): EAFFEPPPGQ[Gly461Asp]EDVLKGSQIT

ClinVar aggregate classification (germline): Benign. Review status: criteria provided, multiple submitters, no conflicts (2 of 4 stars). 5 submissions from 5 submitters: Benign (4). 1 of the submissions does not count toward it. Last evaluated 2026-01-19.

Conditions:
ZNF143-related disorder. Also called: ZNF143-related condition.

Allele frequency attached by ClinVar (database versions not stated): gnomAD 0.01942 and 0.01815; 1000 Genomes Project 30x 0.02202; gnomAD exomes 0.00198 and 0.00508; ExAC 0.00592; TOPMed 0.02132; ESP Exome Variant Server 0.02202; 1000 Genomes Project 0.01977.
gnomAD v4.1: 5,798 of 1,614,006 alleles (0.36%); highest among the groups gnomAD compares: African/African-American, 6.1%; 146 homozygotes.

Submissions (5):

Labcorp Genetics (formerly Invitae), Labcorp
Classification: Benign. Last evaluated: 2026-01-19. Review status: criteria provided, single submitter. Criteria: Invitae Variant Classification Sherloc (09022015). Collection method: clinical testing. Allele origin: germline.

Mayo Clinic Laboratories, Mayo Clinic
Classification: Benign. Last evaluated: 2025-01-20. Review status: criteria provided, single submitter. Criteria: ACMG Guidelines, 2015. Collection method: clinical testing. Allele origin: germline. Observed: 2 variant alleles.

GeneDx
Classification: Benign. Last evaluated: 2021-05-09. Review status: criteria provided, single submitter. Criteria: GeneDx Variant Classification Process June 2021. Collection method: clinical testing. Allele origin: germline. Affected: yes.

Breakthrough Genomics
Classification: Benign. Review status: criteria provided, single submitter. Criteria: ACMG Guidelines, 2015. Collection method: not provided. Allele origin: germline. Inheritance: Unknown mechanism. Affected: yes.

PreventionGenetics, part of Exact Sciences
Classification: Benign for ZNF143-related condition. Last evaluated: 2024-02-21. Review status: no assertion criteria provided. Collection method: clinical testing. Allele origin: germline. Not counted in ClinVar's aggregate classification.
Comment: This variant is classified as benign based on ACMG/AMP sequence variant interpretation guidelines (Richards et al. 2015 PMID: 25741868, with internal and published modifications).